The following is an entry in ClinVar:

ClinVar aggregate classification (germline): Benign/Likely benign. Review status: criteria provided, multiple submitters, no conflicts (2 of 4 stars). 6 submissions from 6 submitters: Benign (2); Likely benign (4). Last evaluated 2026-01-25.

Conditions:
Tuberous sclerosis syndrome (TSC). Also called: Tuberous Sclerosis Complex; Tuberous sclerosis. Identifiers: Orphanet 805, MedGen C0041341, MONDO:0001734.
Hereditary cancer-predisposing syndrome. Also called: Tumor predisposition; Neoplastic Syndromes, Hereditary; Hereditary Cancer Syndrome; Hereditary neoplastic syndrome. Identifiers: Orphanet 140162, MedGen C0027672, MeSH D009386, MONDO:0015356.
Tuberous sclerosis 2 (TSC2). Identifiers: Orphanet 805, MedGen C1860707, MONDO:0013199, OMIM 613254.

Allele frequency attached by ClinVar (database versions not stated): gnomAD exomes 0.00005; gnomAD 0.00001; TOPMed 0.00002; ExAC 0.00004.
gnomAD v4.1: 27 of 1,614,112 alleles (0.0017%); highest among the groups gnomAD compares: Non-Finnish European, 0.00059%; no homozygotes.

Submissions (6):

Labcorp Genetics (formerly Invitae), Labcorp
Classification: Likely benign for Tuberous sclerosis 2. Last evaluated: 2026-01-25. Review status: criteria provided, single submitter. Criteria: Invitae Variant Classification Sherloc (09022015). Collection method: clinical testing. Allele origin: germline.

Color Diagnostics, LLC DBA Color Health
Classification: Likely benign for Tuberous sclerosis syndrome. Last evaluated: 2025-07-13. Review status: criteria provided, single submitter. Criteria: ACMG Guidelines, 2015. Collection method: clinical testing. Allele origin: germline.

Genome-Nilou Lab
Classification: Benign for Tuberous sclerosis 2. Last evaluated: 2021-11-07. Review status: criteria provided, single submitter. Criteria: ACMG Guidelines, 2015. Collection method: clinical testing. Allele origin: germline. Affected: no.

Ambry Genetics
Classification: Benign for Hereditary cancer-predisposing syndrome. Last evaluated: 2020-10-09. Review status: criteria provided, single submitter. Criteria: Ambry Variant Classification Scheme 2023. Collection method: clinical testing. Allele origin: germline.

Sema4
Classification: Likely benign for Hereditary cancer-predisposing syndrome. Last evaluated: 2020-09-09. Review status: criteria provided, single submitter. Criteria: Sema4 Curation Guidelines. Collection method: curation. Allele origin: germline.

GeneDx
Classification: Likely benign. Last evaluated: 2017-12-29. Review status: criteria provided, single submitter. Criteria: GeneDx Variant Classification (06012015). Collection method: clinical testing. Allele origin: germline. Affected: yes.
Comment: This variant is considered likely benign or benign based on one or more of the following criteria: it is a conservative change, it occurs at a poorly conserved position in the protein, it is predicted to be benign by multiple in silico algorithms, and/or has population frequency not consistent with disease.

Literature cited by the submitters: PubMed 22558107 (cited by Ambry Genetics).

NM_000548.5(TSC2):c.433G>A (p.Ala145Thr)

Gene: TSC2 (TSC complex subunit 2; plus strand). Cytogenetic location: 16p13.3.
Variant type: single nucleotide variant.
Coding change: c.433G>A on transcript NM_000548.5 (MANE Select); coding-DNA position 433, G replaced by A.
Protein change: p.Ala145Thr; replaces alanine 145 with threonine.
Molecular consequence: missense variant. On other transcripts: intron variant (1).
Genome position (GRCh38, 1-based): chr16:2,054,392, G>A. VCF-style: chr16-2054392-G-A. GRCh37 (hg19) VCF-style: chr16-2104393-G-A.
Other names: c.433G>A, p.Ala145Thr (NM_001077183.3, NM_001114382.3, NM_001363528.2 and 3 more transcripts); c.322G>A, p.Ala108Thr (NM_001318827.2); c.286G>A, p.Ala96Thr (NM_001318829.2); c.466G>A, p.Ala156Thr (NM_001318832.2); c.-1-1804G>A (NM_001318831.2); short protein forms A145T, A156T, A108T, A96T.
Identifiers: ClinVar variation 486622 (VCV000486622.20), dbSNP rs774892845, ClinGen allele CA050881.